The following is an entry in ClinVar:

NM_017986.4(SLC52A1):c.412C>T (p.His138Tyr)

Gene: SLC52A1 (solute carrier family 52 member 1; minus strand). Cytogenetic location: 17p13.2.
Variant type: single nucleotide variant.
Coding change: c.412C>T on transcript NM_017986.4 (MANE Select); coding-DNA position 412, C replaced by T.
Protein change: p.His138Tyr; replaces histidine 138 with tyrosine.
Molecular consequence: missense variant.
Genome position (GRCh38, 1-based): chr17:5,034,077, G>A on the plus strand (C>T on the coding strand, the complement: SLC52A1 is on the minus strand). VCF-style: chr17-5034077-G-A. GRCh37 (hg19) VCF-style: chr17-4937372-G-A.
Other names: c.412C>T, p.His138Tyr (NM_001104577.2); short protein forms H138Y.
Identifiers: ClinVar variation 2389624 (VCV002389624.4), dbSNP rs756008991, ClinGen allele CA8319799.

ClinVar aggregate classification (germline): Uncertain significance. Review status: criteria provided, multiple submitters, no conflicts (2 of 4 stars). 2 submissions from 2 submitters: Uncertain significance (2). Last evaluated 2024-06-05.

Conditions:
Vitamin B2 deficiency. Identifiers: MedGen C0035528.

Allele frequency attached by ClinVar (database versions not stated): ExAC 0.00001; gnomAD 0.00001; gnomAD exomes 0.00001.

Submissions (2):

Labcorp Genetics (formerly Invitae), Labcorp
Classification: Uncertain significance for Vitamin B2 deficiency. Last evaluated: 2024-06-05. Review status: criteria provided, single submitter. Criteria: Invitae Variant Classification Sherloc (09022015). Collection method: clinical testing. Allele origin: germline.
Comment: This sequence change replaces histidine, which is basic and polar, with tyrosine, which is neutral and polar, at codon 138 of the SLC52A1 protein (p.His138Tyr). This variant is present in population databases (rs756008991, gnomAD 0.003%). This variant has not been reported in the literature in individuals affected with SLC52A1-related conditions. ClinVar contains an entry for this variant (Variation ID: 2389624). Advanced modeling of protein sequence and biophysical properties (such as structural, functional, and spatial information, amino acid conservation, physicochemical variation, residue mobility, and thermodynamic stability) performed at Invitae indicates that this missense variant is not expected to disrupt SLC52A1 protein function with a negative predictive value of 80%. In summary, the available evidence is currently insufficient to determine the role of this variant in disease. Therefore, it has been classified as a Variant of Uncertain Significance.

Ambry Genetics
Classification: Uncertain significance. Last evaluated: 2021-06-23. Review status: criteria provided, single submitter. Criteria: Ambry Variant Classification Scheme 2023. Collection method: clinical testing. Allele origin: germline.